The following is an entry in ClinVar:

NM_001360.3(DHCR7):c.660G>T (p.Met220Ile)

Gene: DHCR7 (7-dehydrocholesterol reductase; minus strand). Cytogenetic location: 11q13.4.
Variant type: single nucleotide variant.
Coding change: c.660G>T on transcript NM_001360.3 (MANE Select); coding-DNA position 660, G replaced by T.
Protein change: p.Met220Ile; replaces methionine 220 with isoleucine.
Molecular consequence: missense variant.
Genome position (GRCh38, 1-based): chr11:71,439,050, C>A on the plus strand (G>T on the coding strand, the complement: DHCR7 is on the minus strand). VCF-style: chr11-71439050-C-A. GRCh37 (hg19) VCF-style: chr11-71150096-C-A.
Other names: c.660G>T, p.Met220Ile (NM_001163817.2); short protein forms M220I.
Identifiers: ClinVar variation 1896061 (VCV001896061.2), dbSNP rs767377692, ClinGen allele CA6162496.

ClinVar aggregate classification (germline): Uncertain significance (1 of 4 stars; one submission).

Conditions:
Smith-Lemli-Opitz syndrome (SLOS). Also called: LETHAL ACRODYSGENITAL SYNDROME; POLYDACTYLY, SEX REVERSAL, RENAL HYPOPLASIA, AND UNILOBAR LUNG; RSH SYNDROME; RUTLEDGE LETHAL MULTIPLE CONGENITAL ANOMALY SYNDROME; 7-Dehydrocholesterol reductase deficiency. Identifiers: Orphanet 818, MedGen C0175694, MONDO:0010035, OMIM 270400.

Allele frequency attached by ClinVar (database versions not stated): ExAC 0.00001.
gnomAD v4.1: 2 of 1,614,088 alleles (0.00012%); highest among the groups gnomAD compares: Non-Finnish European, 0.00017%; no homozygotes.

Submission:

Labcorp Genetics (formerly Invitae), Labcorp
Classification: Uncertain significance for Smith-Lemli-Opitz syndrome. Last evaluated: 2022-07-16. Review status: criteria provided, single submitter. Criteria: Invitae Variant Classification Sherloc (09022015). Collection method: clinical testing. Allele origin: germline.
Comment: This sequence change replaces methionine, which is neutral and non-polar, with isoleucine, which is neutral and non-polar, at codon 220 of the DHCR7 protein (p.Met220Ile). This variant is present in population databases (rs767377692, gnomAD 0.0009%). This variant has not been reported in the literature in individuals affected with DHCR7-related conditions. Advanced modeling of protein sequence and biophysical properties (such as structural, functional, and spatial information, amino acid conservation, physicochemical variation, residue mobility, and thermodynamic stability) performed at Invitae indicates that this missense variant is expected to disrupt DHCR7 protein function. In summary, the available evidence is currently insufficient to determine the role of this variant in disease. Therefore, it has been classified as a Variant of Uncertain Significance.